The following is an entry in ClinVar:

ClinVar aggregate classification (germline): Benign (1 of 4 stars; one submission).

Conditions:
MELAS syndrome (MELAS). Also called: Juvenile myopathy, encephalopathy, lactic acidosis, stroke. Identifiers: Orphanet 550, MedGen C0162671, MONDO:0010789, OMIM 540000.

Submission:

Wong Mito Lab, Molecular and Human Genetics, Baylor College of Medicine
Classification: Benign for MELAS syndrome. Last evaluated: 2019-07-12. Review status: criteria provided, single submitter. Criteria: Modified ACMG Guidelines (Unpublished). Collection method: clinical testing. Allele origin: germline.
Comment: The NC_012920.1:m.634T>A variant in MT-TF gene is interpreted to be a Benign variant based on the modified ACMG guidelines (unpublished). This variant meets the following evidence codes reported in the guidelines: BS1, BS4, BP4

Literature cited by the submitters: PubMed 31965079.

NC_012920.1(MT-TF):m.634T>A

Gene: MT-TF (mitochondrially encoded tRNA phenylalanine; plus strand).
Variant type: single nucleotide variant.
Genome position: chrM-634-T-A.
Identifiers: ClinVar variation 689827 (VCV000689827.1), dbSNP rs1603218470, ClinGen allele CA913175686.